The following is an entry in ClinVar:

NM_024537.4(CARS2):c.625G>A (p.Gly209Ser)

Gene: CARS2 (cysteinyl-tRNA synthetase 2, mitochondrial; minus strand). Cytogenetic location: 13q34.
Variant type: single nucleotide variant.
Coding change: c.625G>A on transcript NM_024537.4 (MANE Select); coding-DNA position 625, G replaced by A.
Protein change: p.Gly209Ser; replaces glycine 209 with serine.
Molecular consequence: missense variant. On other transcripts: 5 prime UTR variant (1), non-coding transcript variant (2).
Genome position (GRCh38, 1-based): chr13:110,683,081, C>T on the plus strand (G>A on the coding strand, the complement: CARS2 is on the minus strand). VCF-style: chr13-110683081-C-T. GRCh37 (hg19) VCF-style: chr13-111335428-C-T.
Other names: c.-162G>A (NM_001352252.2); c.625G>A, p.Gly209Ser (NM_001352253.3); short protein forms G209S.
Identifiers: ClinVar variation 2061390 (VCV002061390.1), dbSNP rs760043245, ClinGen allele CA7052151.

ClinVar aggregate classification (germline): Uncertain significance (1 of 4 stars; one submission).

Conditions:
Combined oxidative phosphorylation defect type 27. Also called: Combined oxidative phosphorylation deficiency 27. Identifiers: Orphanet 477774, MedGen C5567608, MONDO:0014728, OMIM 616672.

Allele frequency attached by ClinVar (database versions not stated): TOPMed below 0.00001; ExAC 0.00001.
gnomAD v4.1: 22 of 1,602,192 alleles (0.0014%); highest among the groups gnomAD compares: East Asian, 0.0091%; no homozygotes.

Submission:

Labcorp Genetics (formerly Invitae), Labcorp
Classification: Uncertain significance for Combined oxidative phosphorylation defect type 27. Last evaluated: 2022-08-03. Review status: criteria provided, single submitter. Criteria: Invitae Variant Classification Sherloc (09022015). Collection method: clinical testing. Allele origin: germline.
Comment: This sequence change replaces glycine, which is neutral and non-polar, with serine, which is neutral and polar, at codon 209 of the CARS2 protein (p.Gly209Ser). This variant is present in population databases (rs760043245, gnomAD 0.003%). This variant has not been reported in the literature in individuals affected with CARS2-related conditions. Algorithms developed to predict the effect of missense changes on protein structure and function output the following: SIFT: "Tolerated"; PolyPhen-2: "Benign"; Align-GVGD: "Class C0". The serine amino acid residue is found in multiple mammalian species, which suggests that this missense change does not adversely affect protein function. In summary, the available evidence is currently insufficient to determine the role of this variant in disease. Therefore, it has been classified as a Variant of Uncertain Significance.